The following is an entry in ClinVar:

ClinVar aggregate classification (germline): Uncertain significance (1 of 4 stars; one submission).

Conditions:
Neuropathy, hereditary sensory and autonomic, type 2A (HSAN2A). Also called: HSAN IIA; MORVAN DISEASE; NEUROPATHY, CONGENITAL SENSORY; NEUROPATHY, HEREDITARY SENSORY RADICULAR, AUTOSOMAL RECESSIVE; NEUROPATHY, HEREDITARY SENSORY, TYPE IIA; NEUROPATHY, PROGRESSIVE SENSORY, OF CHILDREN. Identifiers: Orphanet 970, MedGen C2752089, MONDO:0024309, OMIM 201300.
Generalized epilepsy with febrile seizures plus, type 7 (GEFSP7). Also called: GEFS+, TYPE 7. Identifiers: Orphanet 36387, MedGen C2751778, MONDO:0013470, OMIM 613863.

Submission:

Labcorp Genetics (formerly Invitae), Labcorp
Classification: Uncertain significance for Neuropathy, hereditary sensory and autonomic, type 2A; Generalized epilepsy with febrile seizures plus, type 7. Last evaluated: 2025-03-23. Review status: criteria provided, single submitter. Criteria: Invitae Variant Classification Sherloc (09022015). Collection method: clinical testing. Allele origin: germline.
Comment: This sequence change replaces alanine, which is neutral and non-polar, with valine, which is neutral and non-polar, at codon 1888 of the SCN9A protein (p.Ala1888Val). This variant is not present in population databases (gnomAD no frequency). This variant has not been reported in the literature in individuals affected with SCN9A-related conditions. ClinVar contains an entry for this variant (Variation ID: 1347831). Invitae Evidence Modeling of protein sequence and biophysical properties (such as structural, functional, and spatial information, amino acid conservation, physicochemical variation, residue mobility, and thermodynamic stability) indicates that this missense variant is not expected to disrupt SCN9A protein function with a negative predictive value of 95%. In summary, the available evidence is currently insufficient to determine the role of this variant in disease. Therefore, it has been classified as a Variant of Uncertain Significance.

NM_001365536.1(SCN9A):c.5696C>T (p.Ala1899Val)

Genes: SCN1A-AS1 (SCN1A and SCN9A antisense RNA 1; plus strand), SCN9A (sodium voltage-gated channel alpha subunit 9; minus strand). Cytogenetic location: 2q24.3.
Variant type: single nucleotide variant.
Coding change: c.5696C>T on transcript NM_001365536.1 (MANE Select); coding-DNA position 5696, C replaced by T.
Protein change: p.Ala1899Val; replaces alanine 1899 with valine.
Molecular consequence: missense variant.
Genome position (GRCh38, 1-based): chr2:166,198,943, G>A on the plus strand (C>T on the coding strand, the complement: SCN9A is on the minus strand). VCF-style: chr2-166198943-G-A. GRCh37 (hg19) VCF-style: chr2-167055453-G-A.
Other names: c.5663C>T, p.Ala1888Val (NM_002977.4); short protein forms A1888V, A1899V.
Identifiers: ClinVar variation 1347831 (VCV001347831.8), dbSNP rs2106336207, ClinGen allele CA349051700.